The following is an entry in ClinVar:

NM_001005242.3(PKP2):c.1035-10G>T

Gene: PKP2 (plakophilin 2; minus strand). Cytogenetic location: 12p11.21.
Variant type: single nucleotide variant.
Coding change: c.1035-10G>T on transcript NM_001005242.3 (MANE Select); 10 bases into the intron before coding-DNA position 1035, G replaced by T.
Molecular consequence: intron variant.
Genome position (GRCh38, 1-based): chr12:32,869,072, C>A on the plus strand (G>T on the coding strand, the complement: PKP2 is on the minus strand). VCF-style: chr12-32869072-C-A. GRCh37 (hg19) VCF-style: chr12-33022006-C-A.
Other names: c.1035-10G>T (NM_004572.4).
Identifiers: ClinVar variation 920920 (VCV000920920.5), dbSNP rs1448052777, ClinGen allele CA687408843.
Genomic context (GRCh38, chr12:32,869,072, plus strand): 5'-GCCTCGAGCATACTCACTGCTCGCTCCAGAGTCATCTCCATGTCTGCATTCCTAGACAAA[C>A]AGGCACAGATTCAGCCAGATTCCAAACCTCCCTCCTCCTGCCTACCAACCTGGTCCTCCA-3'

ClinVar aggregate classification (germline): Conflicting classifications of pathogenicity. Review status: criteria provided, conflicting classifications (1 of 4 stars). 2 submissions from 2 submitters: Uncertain significance (1); Likely benign (1). Last evaluated 2024-05-21.

Conditions:
Cardiomyopathy (CMYO). Also called: Cardiomyopathies. Identifiers: Orphanet 167848, MedGen C0878544, MONDO:0004994, HP:0001638. Inheritance: Various modes of inheritance.
Arrhythmogenic right ventricular dysplasia 9 (ARVD9). Also called: Arrhythmogenic Right Ventricular Dysplasia/Cardiomyopathy 9; ARRHYTHMOGENIC RIGHT VENTRICULAR DYSPLASIA, FAMILIAL, 9. Identifiers: MedGen C1836906, MONDO:0012180, OMIM 609040.

Allele frequency attached by ClinVar (database versions not stated): TOPMed below 0.00001.

Submissions (2):

Labcorp Genetics (formerly Invitae), Labcorp
Classification: Likely benign for Arrhythmogenic right ventricular dysplasia 9. Last evaluated: 2024-05-21. Review status: criteria provided, single submitter. Criteria: Invitae Variant Classification Sherloc (09022015). Collection method: clinical testing. Allele origin: germline.

Color Diagnostics, LLC DBA Color Health
Classification: Uncertain significance for Cardiomyopathy. Last evaluated: 2019-12-10. Review status: criteria provided, single submitter. Criteria: ACMG Guidelines, 2015. Collection method: clinical testing. Allele origin: germline.
Comment: This variant causes a G>T nucleotide substitution at the -10 position of intron 3 of the PKP2 gene. Splice site prediction tools and conservation analysis are inconclusive regarding the impact of this variant on RNA splicing. To our knowledge, functional studies have not been performed for this variant. This variant has not been reported in individuals affected with cardiovascular disorders in the literature. This variant has not been identified in the general population by the Genome Aggregation Database (gnomAD). The available evidence is insufficient to determine the role of this variant in disease conclusively. Therefore, this variant is classified as a Variant of Uncertain Significance.